The following is an entry in ClinVar:

ClinVar aggregate classification (germline): Uncertain significance (1 of 4 stars; one submission).

Submission:

Labcorp Genetics (formerly Invitae), Labcorp
Classification: Uncertain significance. Last evaluated: 2021-12-26. Review status: criteria provided, single submitter. Criteria: Invitae Variant Classification Sherloc (09022015). Collection method: clinical testing. Allele origin: germline.
Comment: In summary, the available evidence is currently insufficient to determine the role of this variant in disease. Therefore, it has been classified as a Variant of Uncertain Significance. Algorithms developed to predict the effect of sequence changes on RNA splicing suggest that this variant may disrupt the consensus splice site. This variant has not been reported in the literature in individuals affected with CSF2RB-related conditions. This variant is not present in population databases (gnomAD no frequency). This sequence change affects a donor splice site in intron 3 of the CSF2RB gene. It is expected to disrupt RNA splicing. Variants that disrupt the donor or acceptor splice site typically lead to a loss of protein function (PMID: 16199547), however the current clinical and genetic evidence is not sufficient to establish whether loss-of-function variants in CSF2RB cause disease.

Literature cited by the submitters: PubMed 16199547.

NM_000395.3(CSF2RB):c.200+1G>A

Gene: CSF2RB (colony stimulating factor 2 receptor subunit beta; plus strand). Cytogenetic location: 22q12.3.
Variant type: single nucleotide variant.
Coding change: c.200+1G>A on transcript NM_000395.3 (MANE Select); the canonical splice donor site of the intron after coding-DNA position 200, G replaced by A.
Molecular consequence: splice donor variant.
Genome position (GRCh38, 1-based): chr22:36,923,368, G>A. VCF-style: chr22-36923368-G-A. GRCh37 (hg19) VCF-style: chr22-37319410-G-A.
Other names: c.200+1G>A (NM_001410827.1).
Identifiers: ClinVar variation 1930613 (VCV001930613.5), dbSNP rs2517974888, ClinGen allele CA411401871.